The following is an entry in ClinVar:

ClinVar aggregate classification (germline): Uncertain significance (1 of 4 stars; one submission).

Allele frequency attached by ClinVar (database versions not stated): gnomAD 0.00001; ExAC 0.00004; gnomAD exomes 0.00004; TOPMed 0.00004.
gnomAD v4.1: 26 of 1,613,964 alleles (0.0016%); highest among the groups gnomAD compares: Admixed American, 0.033%; no homozygotes.

Submission:

Labcorp Genetics (formerly Invitae), Labcorp
Classification: Uncertain significance. Last evaluated: 2025-10-01. Review status: criteria provided, single submitter. Criteria: Invitae Variant Classification Sherloc (09022015). Collection method: clinical testing. Allele origin: germline.
Comment: This sequence change replaces arginine, which is basic and polar, with glutamine, which is neutral and polar, at codon 50 of the TXN2 protein (p.Arg50Gln). This variant is present in population databases (rs780339679, gnomAD 0.06%), and has an allele count higher than expected for a pathogenic variant. This variant has not been reported in the literature in individuals affected with TXN2-related conditions. ClinVar contains an entry for this variant (Variation ID: 2190343). An algorithm developed to predict the effect of missense changes on protein structure and function outputs the following: PolyPhen-2: "Benign". The glutamine amino acid residue is found in multiple mammalian species, which suggests that this missense change does not adversely affect protein function. In summary, the available evidence is currently insufficient to determine the role of this variant in disease. Therefore, it has been classified as a Variant of Uncertain Significance.

NM_012473.4(TXN2):c.149G>A (p.Arg50Gln)

Gene: TXN2 (thioredoxin 2; minus strand). Cytogenetic location: 22q12.3.
Variant type: single nucleotide variant.
Coding change: c.149G>A on transcript NM_012473.4 (MANE Select); coding-DNA position 149, G replaced by A.
Protein change: p.Arg50Gln; replaces arginine 50 with glutamine.
Molecular consequence: missense variant.
Genome position (GRCh38, 1-based): chr22:36,480,689, C>T on the plus strand (G>A on the coding strand, the complement: TXN2 is on the minus strand). VCF-style: chr22-36480689-C-T. GRCh37 (hg19) VCF-style: chr22-36876736-C-T.
Other names: short protein forms R50Q.
Identifiers: ClinVar variation 2190343 (VCV002190343.4), dbSNP rs780339679, ClinGen allele CA10210889.